The following is an entry in ClinVar:

NM_016239.4(MYO15A):c.4365dup (p.Arg1456fs)

Gene: MYO15A (myosin XVA; plus strand). Cytogenetic location: 17p11.2.
Variant type: Duplication.
Coding change: c.4365dup on transcript NM_016239.4 (MANE Select); coding-DNA position 4365, one base duplicated (T; older notation c.4365dupT).
Protein change: p.Arg1456fs; shifts the reading frame from arginine 1456.
Molecular consequence: frameshift variant.
Genome position (GRCh38, 1-based): chr17:18,133,269, T duplicated; the last of 3 consecutive T bases (chr17:18,133,267-18,133,269); duplicating any one gives the same sequence. VCF-style (leftmost placement, unchanged base first): chr17-18133266-C-CT. GRCh37 (hg19) VCF-style: chr17-18036580-C-CT.
Other names: short protein forms R1456fs.
Identifiers: ClinVar variation 4780081 (VCV004780081.1).

ClinVar aggregate classification (germline): Pathogenic (1 of 4 stars; one submission).

Submission:

Labcorp Genetics (formerly Invitae), Labcorp
Classification: Pathogenic. Last evaluated: 2025-10-22. Review status: criteria provided, single submitter. Criteria: Invitae Variant Classification Sherloc (09022015). Collection method: clinical testing. Allele origin: germline.
Comment: This sequence change creates a premature translational stop signal (p.Arg1456Serfs*15) in the MYO15A gene. It is expected to result in an absent or disrupted protein product. Loss-of-function variants in MYO15A are known to be pathogenic (PMID: 17546645). This variant is not present in population databases (gnomAD no frequency). This variant has not been reported in the literature in individuals affected with MYO15A-related conditions. For these reasons, this variant has been classified as Pathogenic.

Literature cited by the submitters: PubMed 17546645.